The following is an entry in ClinVar:

NM_000062.3(SERPING1):c.911A>T (p.Asp304Val)

Gene: SERPING1 (serpin family G member 1; plus strand). Cytogenetic location: 11q12.1.
Variant type: single nucleotide variant.
Coding change: c.911A>T on transcript NM_000062.3 (MANE Select); coding-DNA position 911, A replaced by T.
Protein change: p.Asp304Val; replaces aspartic acid 304 with valine.
Molecular consequence: missense variant.
Genome position (GRCh38, 1-based): chr11:57,606,429, A>T. VCF-style: chr11-57606429-A-T. GRCh37 (hg19) VCF-style: chr11-57373902-A-T.
Other names: c.911A>T, p.Asp304Val (NM_001032295.2); short protein forms D304V.
Identifiers: ClinVar variation 2015554 (VCV002015554.4), dbSNP rs2495442163, ClinGen allele CA380700197.

ClinVar aggregate classification (germline): Uncertain significance (1 of 4 stars; one submission).

gnomAD v4.1: 1 of 1,614,158 alleles (0.000062%); highest among the groups gnomAD compares: Non-Finnish European, 0.000085%; no homozygotes.

Submission:

Labcorp Genetics (formerly Invitae), Labcorp
Classification: Uncertain significance. Last evaluated: 2022-07-09. Review status: criteria provided, single submitter. Criteria: Invitae Variant Classification Sherloc (09022015). Collection method: clinical testing. Allele origin: germline.
Comment: In summary, the available evidence is currently insufficient to determine the role of this variant in disease. Therefore, it has been classified as a Variant of Uncertain Significance. Advanced modeling of protein sequence and biophysical properties (such as structural, functional, and spatial information, amino acid conservation, physicochemical variation, residue mobility, and thermodynamic stability) performed at Invitae indicates that this missense variant is not expected to disrupt SERPING1 protein function. This variant has not been reported in the literature in individuals affected with SERPING1-related conditions. This variant is not present in population databases (gnomAD no frequency). This sequence change replaces aspartic acid, which is acidic and polar, with valine, which is neutral and non-polar, at codon 304 of the SERPING1 protein (p.Asp304Val).